The following is an entry in ClinVar:

ClinVar aggregate classification (germline): Uncertain significance (1 of 4 stars; one submission).

Conditions:
Charcot-Marie-Tooth disease axonal type 2O. Also called: CHARCOT-MARIE-TOOTH NEUROPATHY, AXONAL, TYPE 2O; CHARCOT-MARIE-TOOTH DISEASE, AXONAL, AUTOSOMAL DOMINANT, TYPE 2O; Charcot-Marie-Tooth Neuropathy Type 2O; Charcot-Marie-Tooth disease, axonal, type 20. Identifiers: Orphanet 284232, MedGen C3280220, MONDO:0013644, OMIM 614228.

Allele frequency attached by ClinVar (database versions not stated): gnomAD exomes below 0.00001; gnomAD 0.00001.
gnomAD v4.1: 4 of 1,614,042 alleles (0.00025%); highest among the groups gnomAD compares: Non-Finnish European, 0.00034%; no homozygotes.

Submission:

Labcorp Genetics (formerly Invitae), Labcorp
Classification: Uncertain significance for Charcot-Marie-Tooth disease axonal type 2O. Last evaluated: 2024-03-19. Review status: criteria provided, single submitter. Criteria: Invitae Variant Classification Sherloc (09022015). Collection method: clinical testing. Allele origin: germline.
Comment: This sequence change replaces threonine, which is neutral and polar, with isoleucine, which is neutral and non-polar, at codon 2450 of the DYNC1H1 protein (p.Thr2450Ile). This variant is not present in population databases (gnomAD no frequency). This variant has not been reported in the literature in individuals affected with DYNC1H1-related conditions. ClinVar contains an entry for this variant (Variation ID: 665771). Advanced modeling of protein sequence and biophysical properties (such as structural, functional, and spatial information, amino acid conservation, physicochemical variation, residue mobility, and thermodynamic stability) has been performed at Invitae for this missense variant, however the output from this modeling did not meet the statistical confidence thresholds required to predict the impact of this variant on DYNC1H1 protein function. In summary, the available evidence is currently insufficient to determine the role of this variant in disease. Therefore, it has been classified as a Variant of Uncertain Significance.

NM_001376.5(DYNC1H1):c.7349C>T (p.Thr2450Ile)

Gene: DYNC1H1 (dynein cytoplasmic 1 heavy chain 1; plus strand). Cytogenetic location: 14q32.31.
Variant type: single nucleotide variant.
Coding change: c.7349C>T on transcript NM_001376.5 (MANE Select); coding-DNA position 7349, C replaced by T.
Protein change: p.Thr2450Ile; replaces threonine 2450 with isoleucine.
Molecular consequence: missense variant.
Genome position (GRCh38, 1-based): chr14:102,015,962, C>T. VCF-style: chr14-102015962-C-T. GRCh37 (hg19) VCF-style: chr14-102482299-C-T.
Other names: short protein forms T2450I.
Identifiers: ClinVar variation 665771 (VCV000665771.6), dbSNP rs1595617173, ClinGen allele CA391001935.
Genomic context (GRCh38, chr14:102,015,962, plus strand): 5'-ACGGCCTGGTCACCAAGGCGCTAGAGCACGCCTTCCAGCTGGAGCACATCATGGACCTAA[C>T]ACGCCTGCGCTGCCTGGGCTCGCTCTTCTCCATGCTGCACCAGGCCTGCCGCAACGTGGC-3'
Protein context (NP_001367.2, residues 2440-2460): AFQLEHIMDL[Thr2450Ile]RLRCLGSLFS